The following is an entry in ClinVar:

ClinVar aggregate classification (germline): Pathogenic. Review status: criteria provided, single submitter (1 of 4 stars). 3 submissions from 3 submitters: Pathogenic (1). 2 of the submissions do not count toward it. Last evaluated 2023-02-01.

Conditions:
Monilethrix. Also called: Beaded hair. Identifiers: Orphanet 573, MedGen C0546966, MONDO:0008009, HP:0032470.

Allele frequency attached by ClinVar (database versions not stated): gnomAD exomes below 0.00001.
gnomAD v4.1: 2 of 1,613,460 alleles (0.00012%); highest among the groups gnomAD compares: Non-Finnish European, 0.00017%; no homozygotes.

Submissions (3):

CeGaT Center for Human Genetics Tuebingen
Classification: Pathogenic. Last evaluated: 2023-02-01. Review status: criteria provided, single submitter. Criteria: CeGaT Center For Human Genetics Tuebingen Variant Classification Criteria Version 2. Collection method: clinical testing. Allele origin: germline. Affected: yes. Observed: 1 variant allele.
Comment: KRT86: PP1:Strong, PM2, PM5, PS4:Moderate, PP3

OMIM
Classification: Pathogenic for MONILETHRIX 1. Last evaluated: 2004-01-01. Review status: no assertion criteria provided. Collection method: literature only. Allele origin: germline. Not counted in ClinVar's aggregate classification.

Epithelial Biology;  Institute of Medical Biology, Singapore
No classification provided. Review status: no classification provided. Collection method: not provided. Allele origin: not provided. Not counted in ClinVar's aggregate classification.

Literature cited by the submitters: PubMed 9241275 (cited by OMIM); PubMed 9457912 (cited by OMIM); PubMed 9665406 (cited by OMIM); PubMed 10439241 (cited by OMIM); PubMed 9804356 (cited by OMIM); PubMed 10469314 (cited by OMIM); PubMed 15050877 (cited by OMIM).

NM_001320198.2(KRT86):c.1237G>A (p.Glu413Lys)

Gene: KRT86 (keratin 86; plus strand). Cytogenetic location: 12q13.13.
Variant type: single nucleotide variant.
Coding change: c.1237G>A on transcript NM_001320198.2 (MANE Select); coding-DNA position 1237, G replaced by A.
Protein change: p.Glu413Lys; replaces glutamic acid 413 with lysine.
Molecular consequence: missense variant.
Genome position (GRCh38, 1-based): chr12:52,306,270, G>A. VCF-style: chr12-52306270-G-A. GRCh37 (hg19) VCF-style: chr12-52700054-G-A.
Other names: short protein forms E413K.
Identifiers: ClinVar variation 7609 (VCV000007609.30), dbSNP rs121909129, ClinGen allele CA118924.